The following is an entry in ClinVar:

NM_001171.6(ABCC6):c.3684C>T (p.Asn1228=)

Gene: ABCC6 (ATP binding cassette subfamily C member 6; minus strand). Cytogenetic location: 16p13.11.
Variant type: single nucleotide variant.
Coding change: c.3684C>T on transcript NM_001171.6 (MANE Select); coding-DNA position 3684, C replaced by T.
Protein change: p.Asn1228=; no amino-acid change (asparagine 1228 retained).
Molecular consequence: synonymous variant. On other transcripts: non-coding transcript variant (1).
Genome position (GRCh38, 1-based): chr16:16,159,533, G>A on the plus strand (C>T on the coding strand, the complement: ABCC6 is on the minus strand). VCF-style: chr16-16159533-G-A. GRCh37 (hg19) VCF-style: chr16-16253390-G-A.
Other names: c.3684C>T (NM_001171.5); c.3342C>T, p.Asn1114= (NM_001351800.1).
Identifiers: ClinVar variation 1650252 (VCV001650252.11), dbSNP rs2046647298, ClinGen allele CA493798047.

ClinVar aggregate classification (germline): Likely benign. Review status: criteria provided, multiple submitters, no conflicts (2 of 4 stars). 3 submissions from 3 submitters: Likely benign (2). 1 of the submissions does not count toward it. Last evaluated 2025-08-06.

Conditions:
ABCC6-related disorder. Also called: ABCC6-related condition.

Allele frequency attached by ClinVar (database versions not stated): gnomAD exomes 0.00001; TOPMed 0.00001.

Submissions (3):

Labcorp Genetics (formerly Invitae), Labcorp
Classification: Likely benign. Last evaluated: 2025-08-06. Review status: criteria provided, single submitter. Criteria: Invitae Variant Classification Sherloc (09022015). Collection method: clinical testing. Allele origin: germline.

Blueprint Genetics
Classification: Likely benign. Last evaluated: 2021-06-01. Review status: criteria provided, single submitter. Criteria: ACMG Guidelines, 2015. Collection method: clinical testing. Allele origin: germline.

PreventionGenetics, part of Exact Sciences
Classification: Likely benign for ABCC6-related condition. Last evaluated: 2020-02-19. Review status: no assertion criteria provided. Collection method: clinical testing. Allele origin: germline. Not counted in ClinVar's aggregate classification.
Comment: This variant is classified as likely benign based on ACMG/AMP sequence variant interpretation guidelines (Richards et al. 2015 PMID: 25741868, with internal and published modifications).